The following is an entry in ClinVar:

ClinVar aggregate classification (germline): Pathogenic/Likely pathogenic. Review status: criteria provided, multiple submitters, no conflicts (2 of 4 stars). 3 submissions from 3 submitters: Pathogenic (2); Likely pathogenic (1). Last evaluated 2025-03-25.

Conditions:
Bardet-Biedl syndrome 2 (BBS2). Identifiers: Orphanet 110, MedGen C2936863, MONDO:0014432, OMIM 615981.
Bardet-Biedl syndrome (BBS). Identifiers: Orphanet 110, MedGen C0752166, MONDO:0015229.

Submissions (3):

Natera, Inc.
Classification: Likely pathogenic for Bardet-Biedl syndrome type 2. Last evaluated: 2025-03-25. Review status: criteria provided, single submitter. Criteria: Natera Variant Classification Schema (03/2026). Collection method: clinical testing. Allele origin: germline.
Comment: The c.1486_1489delATCA variant in BBS2 is a frameshift variant predicted to shift the reading frame beginning at codon 496 and leads to a stop codon 50 codons downstream. This variant is expected to result in nonsense mediated decay, truncation, or a dysfunctional protein product. This variant is rare in the general population with a frequency below the threshold expected for the associated phenotype(s). Given the available evidence, this variant is classified as Likely Pathogenic.

Baylor Genetics
Classification: Pathogenic for Bardet-Biedl syndrome 2. Last evaluated: 2024-03-07. Review status: criteria provided, single submitter. Criteria: ACMG Guidelines, 2015. Collection method: clinical testing. Allele origin: unknown.

Labcorp Genetics (formerly Invitae), Labcorp
Classification: Pathogenic for Bardet-Biedl syndrome. Last evaluated: 2023-08-31. Review status: criteria provided, single submitter. Criteria: Invitae Variant Classification Sherloc (09022015). Collection method: clinical testing. Allele origin: germline.
Comment: For these reasons, this variant has been classified as Pathogenic. ClinVar contains an entry for this variant (Variation ID: 836947). This variant has not been reported in the literature in individuals affected with BBS2-related conditions. This variant is not present in population databases (gnomAD no frequency). This sequence change creates a premature translational stop signal (p.Ile496Valfs*50) in the BBS2 gene. It is expected to result in an absent or disrupted protein product. Loss-of-function variants in BBS2 are known to be pathogenic (PMID: 11285252, 20177705, 24608809, 26518167).

Literature cited by the submitters: PubMed 11285252 (cited by Labcorp Genetics (formerly Invitae), Labcorp); PubMed 20177705 (cited by Labcorp Genetics (formerly Invitae), Labcorp); PubMed 24608809 (cited by Labcorp Genetics (formerly Invitae), Labcorp); PubMed 26518167 (cited by Labcorp Genetics (formerly Invitae), Labcorp).

NM_031885.5(BBS2):c.1486_1489del (p.Ile496fs)

Gene: BBS2 (Bardet-Biedl syndrome 2; minus strand). Cytogenetic location: 16q13.
Variant type: Deletion.
Coding change: c.1486_1489del on transcript NM_031885.5 (MANE Select); coding-DNA positions 1486 to 1489, 4 bases deleted (ATCA; older notation c.1486_1489delATCA).
Protein change: p.Ile496fs; shifts the reading frame from isoleucine 496.
Molecular consequence: frameshift variant. On other transcripts: non-coding transcript variant (5).
Genome position (GRCh38, 1-based): chr16:56,499,816-56,499,819, TGAT deleted on the plus strand (ATCA on the coding strand, the reverse complement: BBS2 is on the minus strand); deleting any 4 consecutive bases within chr16:56,499,816-56,499,821 gives the same sequence; the c. name uses the placement nearest the transcript's 3' end. VCF-style (leftmost placement, unchanged base first): chr16-56499815-CTGAT-C. GRCh37 (hg19) VCF-style: chr16-56533727-CTGAT-C.
Other names: c.1486_1489del, p.Ile496fs (NM_001377456.1); c.1486_1489delATCA (NM_031885.3); short protein forms I496fs.
Identifiers: ClinVar variation 836947 (VCV000836947.11), dbSNP rs1363846772, ClinGen allele CA721950445.
Genomic context (GRCh38, chr16:56,499,815, plus strand): 5'-AAAGAGAAAAGCGAGATACTCACCCTCTGTGCCCGTTCTGCAATGGTAAAGTTAACATAA[CTGAT>C]TGGCTCACTGGCAGGGTCCAGGCTGGTCAGCGCATACATGGAGAATCGAGGGAGCTGTCT-3'